The following is an entry in ClinVar:

NM_023036.6(DNAI2):c.658G>A (p.Val220Met)

Gene: DNAI2 (dynein axonemal intermediate chain 2; plus strand). Cytogenetic location: 17q25.1.
Variant type: single nucleotide variant.
Coding change: c.658G>A on transcript NM_023036.6 (MANE Select); coding-DNA position 658, G replaced by A.
Protein change: p.Val220Met; replaces valine 220 with methionine.
Molecular consequence: missense variant. On other transcripts: non-coding transcript variant (1).
Genome position (GRCh38, 1-based): chr17:74,291,067, G>A. VCF-style: chr17-74291067-G-A. GRCh37 (hg19) VCF-style: chr17-72287206-G-A.
Other names: c.658G>A, p.Val220Met (NM_001172810.3, NM_001353167.2); c.658G>A (NM_023036.4); short protein forms V220M.
Identifiers: ClinVar variation 2186901 (VCV002186901.2), dbSNP rs376885226, ClinGen allele CA8745441.

ClinVar aggregate classification (germline): Uncertain significance. Review status: criteria provided, multiple submitters, no conflicts (2 of 4 stars). 2 submissions from 2 submitters: Uncertain significance (2). Last evaluated 2025-08-04.

Conditions:
Primary ciliary dyskinesia. Also called: Ciliary dyskinesia. Identifiers: Orphanet 244, MedGen C0008780, MONDO:0016575, HP:0012265.

Allele frequency attached by ClinVar (database versions not stated): gnomAD 0.00009; TOPMed 0.00013; ESP Exome Variant Server 0.00015.
gnomAD v4.1: 26 of 1,614,040 alleles (0.0016%); highest among the groups gnomAD compares: African/African-American, 0.027%; no homozygotes.

Submissions (2):

Ambry Genetics
Classification: Uncertain significance for Primary ciliary dyskinesia. Last evaluated: 2025-08-04. Review status: criteria provided, single submitter. Criteria: Ambry Variant Classification Scheme 2023. Collection method: clinical testing. Allele origin: germline.

Labcorp Genetics (formerly Invitae), Labcorp
Classification: Uncertain significance for Primary ciliary dyskinesia. Last evaluated: 2022-08-16. Review status: criteria provided, single submitter. Criteria: Invitae Variant Classification Sherloc (09022015). Collection method: clinical testing. Allele origin: germline.
Comment: This sequence change replaces valine, which is neutral and non-polar, with methionine, which is neutral and non-polar, at codon 220 of the DNAI2 protein (p.Val220Met). This variant is present in population databases (rs376885226, gnomAD 0.04%). This variant has not been reported in the literature in individuals affected with DNAI2-related conditions. Algorithms developed to predict the effect of missense changes on protein structure and function are either unavailable or do not agree on the potential impact of this missense change (SIFT: "Deleterious"; PolyPhen-2: "Benign"; Align-GVGD: "Class C0"). In summary, the available evidence is currently insufficient to determine the role of this variant in disease. Therefore, it has been classified as a Variant of Uncertain Significance.